The following is an entry in ClinVar:

NM_024675.4(PALB2):c.*15A>G

Gene: PALB2 (partner and localizer of BRCA2; minus strand). Cytogenetic location: 16p12.2.
Variant type: single nucleotide variant.
Coding change: c.*15A>G on transcript NM_024675.4 (MANE Select); 15 bases downstream of the stop codon, A replaced by G.
Molecular consequence: 3 prime UTR variant.
Genome position (GRCh38, 1-based): chr16:23,603,444, T>C on the plus strand (A>G on the coding strand, the complement: PALB2 is on the minus strand). VCF-style: chr16-23603444-T-C. GRCh37 (hg19) VCF-style: chr16-23614765-T-C.
Identifiers: ClinVar variation 629150 (VCV000629150.3), dbSNP rs943559354, ClinGen allele CA279524791.

ClinVar aggregate classification (germline): Uncertain significance. Review status: criteria provided, multiple submitters, no conflicts (2 of 4 stars). 2 submissions from 2 submitters: Uncertain significance (2). Last evaluated 2018-08-31.

Conditions:
Hereditary cancer-predisposing syndrome. Also called: Neoplastic Syndromes, Hereditary; Tumor predisposition; Hereditary neoplastic syndrome; Hereditary Cancer Syndrome. Identifiers: Orphanet 140162, MedGen C0027672, MeSH D009386, MONDO:0015356.

Allele frequency attached by ClinVar (database versions not stated): gnomAD exomes below 0.00001; TOPMed 0.00002; gnomAD 0.00003.
gnomAD v4.1: 6 of 1,603,028 alleles (0.00037%); highest among the groups gnomAD compares: African/African-American, 0.008%; no homozygotes.

Submissions (2):

Color Diagnostics, LLC DBA Color Health
Classification: Uncertain significance for Hereditary cancer-predisposing syndrome. Last evaluated: 2018-08-31. Review status: criteria provided, single submitter. Criteria: ACMG Guidelines, 2015. Collection method: clinical testing. Allele origin: germline.

Ambry Genetics
Classification: Uncertain significance for Hereditary cancer-predisposing syndrome. Last evaluated: 2015-04-23. Review status: criteria provided, single submitter. Criteria: Ambry Variant Classification Scheme 2023. Collection method: clinical testing. Allele origin: germline.
Comment: The c.*15A>G alteration is located in the 3' untranslated region (3'UTR) of the PALB2 gene. This alteration consists of a deletion of 1 nucleotides after the last coding exon of the PALB2 gene. Based on insufficient or conflicting evidence, the clinical significance of this alteration remains unclear.